The following is an entry in ClinVar:

NM_000531.6(OTC):c.987C>T (p.Asn329=)

Gene: OTC (ornithine transcarbamylase; plus strand). Cytogenetic location: Xp11.4.
Variant type: single nucleotide variant.
Coding change: c.987C>T on transcript NM_000531.6 (MANE Select); coding-DNA position 987, C replaced by T.
Protein change: p.Asn329=; no amino-acid change (asparagine 329 retained).
Molecular consequence: synonymous variant.
Genome position (GRCh38, 1-based): chrX:38,411,981, C>T. VCF-style: chrX-38411981-C-T. GRCh37 (hg19) VCF-style: chrX-38271234-C-T.
Identifiers: ClinVar variation 1109317 (VCV001109317.10), dbSNP rs2068546163, ClinGen allele CA515642784.
Genomic context (GRCh38, chrX:38,411,981, plus strand): 5'-AGAAGTGGATGATGAAGTCTTTTATTCTCCTCGATCACTAGTGTTCCCAGAGGCAGAAAA[C>T]AGAAAGTGGACAATCATGGTAAGCAAGAAACAAGGAATGGAGGATAAGTTCTTTGTGTGG-3'
Protein context (NP_000522.3, residues 319-339): PRSLVFPEAE[Asn329=]RKWTIMAVMV

ClinVar aggregate classification (germline): Likely benign. Review status: criteria provided, multiple submitters, no conflicts (2 of 4 stars). 2 submissions from 2 submitters: Likely benign (2). Last evaluated 2023-05-16.

Conditions:
Ornithine carbamoyltransferase deficiency (OTCD). Also called: OTC DEFICIENCY; Ornithine Carbamoyltransferase Deficiency Disease; ORNITHINE TRANSCARBAMYLASE DEFICIENCY, HYPERAMMONEMIA DUE TO; ORNITHINE TRANSCARBAMYLASE DEFICIENCY. Identifiers: Orphanet 664, MedGen C0268542, MONDO:0010703, OMIM 311250.

Allele frequency attached by ClinVar (database versions not stated): gnomAD exomes below 0.00001.
gnomAD v4.1: 1 of 1,210,343 alleles (0.000083%); highest among the groups gnomAD compares: Non-Finnish European, 0.00011%; no homozygotes.

Submissions (2):

All of Us Research Program, National Institutes of Health
Classification: Likely benign for Ornithine carbamoyltransferase deficiency. Last evaluated: 2023-05-16. Review status: criteria provided, single submitter. Criteria: ACMG Guidelines, 2015. Collection method: clinical testing. Allele origin: germline. Inheritance: X-linked inheritance. Observed: 1 variant allele, 1 heterozygote.
Comment: This study involves interpretation of variants in research participants for the purpose of population health screening. Participant phenotype was not available at the time of variant classification. Additional details can be found in publication PMID: 35346344, PMCID: PMC8962531

Labcorp Genetics (formerly Invitae), Labcorp
Classification: Likely benign for Ornithine carbamoyltransferase deficiency. Last evaluated: 2019-07-12. Review status: criteria provided, single submitter. Criteria: Invitae Variant Classification Sherloc (09022015). Collection method: clinical testing. Allele origin: germline.